The following is an entry in ClinVar:

NM_006230.4(POLD2):c.202C>G (p.Arg68Gly)

Gene: POLD2 (DNA polymerase delta 2, accessory subunit; minus strand). Cytogenetic location: 7p13.
Variant type: single nucleotide variant.
Coding change: c.202C>G on transcript NM_006230.4 (MANE Select); coding-DNA position 202, C replaced by G.
Protein change: p.Arg68Gly; replaces arginine 68 with glycine.
Molecular consequence: missense variant.
Genome position (GRCh38, 1-based): chr7:44,121,852, G>C on the plus strand (C>G on the coding strand, the complement: POLD2 is on the minus strand). VCF-style: chr7-44121852-G-C. GRCh37 (hg19) VCF-style: chr7-44161451-G-C.
Other names: c.202C>G, p.Arg68Gly (NM_001127218.3, NM_001256879.2); short protein forms R68G.
Identifiers: ClinVar variation 2002551 (VCV002002551.4), dbSNP rs772234118, ClinGen allele CA4238963.

ClinVar aggregate classification (germline): Uncertain significance (1 of 4 stars; one submission).

gnomAD v4.1: 5 of 1,612,916 alleles (0.00031%); highest among the groups gnomAD compares: Admixed American, 0.005%; no homozygotes.

Submission:

Labcorp Genetics (formerly Invitae), Labcorp
Classification: Uncertain significance. Last evaluated: 2024-01-26. Review status: criteria provided, single submitter. Criteria: Invitae Variant Classification Sherloc (09022015). Collection method: clinical testing. Allele origin: germline.
Comment: This sequence change replaces arginine, which is basic and polar, with glycine, which is neutral and non-polar, at codon 103 of the POLD2 protein (p.Arg103Gly). This variant is present in population databases (rs772234118, gnomAD 0.006%). This variant has not been reported in the literature in individuals affected with POLD2-related conditions. ClinVar contains an entry for this variant (Variation ID: 2002551). Experimental studies and prediction algorithms are not available or were not evaluated, and the functional significance of this variant is currently unknown. In summary, the available evidence is currently insufficient to determine the role of this variant in disease. Therefore, it has been classified as a Variant of Uncertain Significance.